The following is an entry in ClinVar:

ClinVar aggregate classification (germline): Uncertain significance (1 of 4 stars; one submission).

Conditions:
Gabriele de Vries syndrome. Identifiers: Orphanet 506358, MedGen C4479652, MONDO:0044738, OMIM 617557.

Submission:

Juno Genomics, Hangzhou Juno Genomics, Inc
Classification: Uncertain significance for Gabriele de Vries syndrome. Review status: criteria provided, single submitter. Criteria: ACMG Guidelines, 2015. Collection method: clinical testing. Allele origin: germline. Affected: yes.
Comment: Absent from controls (or at extremely low frequency if recessive) in Genome Aggregation Database.;Null variant in a gene where loss of function (LOF) is a known mechanism of disease.

NM_003403.5(YY1):c.972delinsGTG (p.His325fs)

Gene: YY1 (YY1 transcription factor; plus strand). Cytogenetic location: 14q32.2.
Variant type: Indel.
Coding change: c.972delinsGTG on transcript NM_003403.5 (MANE Select); coding-DNA position 972, C replaced by GTG.
Protein change: p.His325fs; shifts the reading frame from histidine 325.
Molecular consequence: frameshift variant.
Genome position (GRCh38, 1-based): chr14:100,276,558, C replaced by GTG. VCF-style: chr14-100276558-C-GTG. GRCh37 (hg19) VCF-style: chr14-100742895-C-GTG.
Other names: short protein forms H325fs.
Identifiers: ClinVar variation 5018719 (VCV005018719.1).
Genomic context (GRCh38, chr14:100,276,558, plus strand): 5'-AAAGATGTTCAGGGATAACTCGGCCATGAGAAAACATCTGCACACCCACGGTCCCAGAGT[C>GTG]CACGTCTGTGCAGAATGTGGCAAAGCTTTTGTTGAGAGTTCAAAACTAAAACGACACCAA-3'